The following is an entry in ClinVar:

NM_000372.5(TYR):c.823G>T (p.Val275Phe)

Gene: TYR (tyrosinase; plus strand). Cytogenetic location: 11q14.3.
Variant type: single nucleotide variant.
Coding change: c.823G>T on transcript NM_000372.5 (MANE Select); coding-DNA position 823, G replaced by T.
Protein change: p.Val275Phe; replaces valine 275 with phenylalanine.
Molecular consequence: missense variant.
Genome position (GRCh38, 1-based): chr11:89,191,205, G>T. VCF-style: chr11-89191205-G-T. GRCh37 (hg19) VCF-style: chr11-88924373-G-T.
Other names: short protein forms V275F.
Identifiers: ClinVar variation 3773 (VCV000003773.54), dbSNP rs104894314, ClinGen allele CA227591.

ClinVar aggregate classification (germline): Pathogenic/Likely pathogenic. Review status: criteria provided, multiple submitters, no conflicts (2 of 4 stars). 21 submissions from 21 submitters: Pathogenic (15); Likely pathogenic (2). 4 of the submissions do not count toward it. Last evaluated 2026-05-29.

Conditions:
Oculocutaneous albinism type 1A (OCA1A). Also called: Albinism, oculocutaneous, type IA. Identifiers: Orphanet 352731, Orphanet 79431, MedGen C4551504, MONDO:0008745, OMIM 203100. Disease mechanism: loss of function.
Oculocutaneous albinism type 1B (OCA1B). Also called: ALBINISM, OCULOCUTANEOUS, TYPE IB; ALBINISM, YELLOW MUTANT TYPE; YELLOW ALBINISM. Identifiers: Orphanet 352731, Orphanet 352737, Orphanet 79434, MedGen C1847024, MONDO:0011749, OMIM 606952.
SKIN/HAIR/EYE PIGMENTATION 3, LIGHT/DARK SKIN (SHEP3). Also called: SKIN/HAIR/EYE PIGMENTATION, VARIATION IN, 3; EYE COLOR 1; EYE COLOR, GREEN/BLUE; SKIN/HAIR/EYE PIGMENTATION 3, BLUE/GREEN EYE COLOR; SKIN/HAIR/EYE PIGMENTATION 3, FRECKLING. Identifiers: MedGen C2677190, OMIM 601800.
TYR-related disorder. Also called: TYR-related condition.
Albinism or congenital nystagmus.
Oculocutaneous albinism. Identifiers: Orphanet 55, MedGen C0078918, MONDO:0018910.
Inborn genetic diseases. Identifiers: MedGen C0950123, MeSH D030342.

Allele frequency attached by ClinVar (database versions not stated): ExAC 0.00010; 1000 Genomes Project 30x 0.00016; gnomAD 0.00018 and 0.00019; 1000 Genomes Project 0.00020; TOPMed 0.00020.
gnomAD v4.1: 527 of 1,613,356 alleles (0.033%); highest among the groups gnomAD compares: Non-Finnish European, 0.04%; no homozygotes.

Submissions 1 to 12 of 21:

PreventionGenetics, part of Exact Sciences
Classification: Pathogenic for TYR-related condition. Last evaluated: 2026-05-29. Review status: criteria provided, single submitter. Criteria: ACMG Guidelines, 2015. Collection method: clinical testing. Allele origin: germline.
Comment: The TYR c.823G>T variant is predicted to result in the amino acid substitution p.Val275Phe. This variant has been reported in both the compound heterozygous and homozygous states in individuals with autosomal recessive oculocutaneous albinism (see for examples Giebel et al. 1991. PubMed ID: 1903591; King et al. 2003. PubMed ID: 13680365; Hutton et al. 2008. PubMed ID: 18463683). This variant is reported in 0.022% of alleles in individuals of European (Non-Finnish) descent in gnomAD. This variant has been classified as pathogenic by multiple independent submitters to the ClinVar database (Variation ID: 3773). Given the evidence, we interpret this variant as pathogenic.

CeGaT Center for Human Genetics Tuebingen
Classification: Pathogenic. Last evaluated: 2026-03-01. Review status: criteria provided, single submitter. Criteria: CeGaT Center For Human Genetics Tuebingen Variant Classification Criteria Version 2. Collection method: clinical testing. Allele origin: germline. Affected: yes. Observed: 1 variant allele.
Comment: TYR: PM3:Very Strong, PM2, PP1:Moderate, PP4

Labcorp Genetics (formerly Invitae), Labcorp
Classification: Pathogenic. Last evaluated: 2026-01-26. Review status: criteria provided, single submitter. Criteria: Invitae Variant Classification Sherloc (09022015). Collection method: clinical testing. Allele origin: germline.
Comment: This sequence change replaces valine, which is neutral and non-polar, with phenylalanine, which is neutral and non-polar, at codon 275 of the TYR protein (p.Val275Phe). This variant is present in population databases (rs104894314, gnomAD 0.02%). This missense change has been observed in individuals with oculocutaneous albinism (PMID: 1903591, 29345414). It has also been observed to segregate with disease in related individuals. ClinVar contains an entry for this variant (Variation ID: 3773). Invitae Evidence Modeling of protein sequence and biophysical properties (such as structural, functional, and spatial information, amino acid conservation, physicochemical variation, residue mobility, and thermodynamic stability) has been performed for this missense variant. However, the output from this modeling did not meet the statistical confidence thresholds required to predict the impact of this variant on TYR protein function. For these reasons, this variant has been classified as Pathogenic.

Ambry Genetics
Classification: Pathogenic for Inborn genetic diseases. Last evaluated: 2025-08-15. Review status: criteria provided, single submitter. Criteria: Ambry Variant Classification Scheme 2023. Collection method: clinical testing. Allele origin: germline.
Comment: The c.823G>T (p.V275F) alteration is located in exon 2 (coding exon 2) of the TYR gene. This alteration results from a G to T substitution at nucleotide position 823, causing the valine (V) at amino acid position 275 to be replaced by a phenylalanine (F). Based on data from gnomAD, the T allele has an overall frequency of 0.01% (28/282378) total alleles studied. The highest observed frequency was 0.022% (28/128916) of European (non-Finnish) alleles. This variant has been identified in the homozygous state and/or in conjunction with other TYR variant(s) in individual(s) with features consistent with oculocutaneous albinism (Giebel, 1991; Hutton, 2008; Lasseaux, 2018). This amino acid position is poorly conserved in available vertebrate species. This alteration is predicted to be deleterious by in silico analysis. Based on the available evidence, this alteration is classified as pathogenic.

NHS Central & South Genomic Laboratory Hub
Classification: Pathogenic for Albinism or congenital nystagmus. Last evaluated: 2025-04-09. Review status: criteria provided, single submitter. Criteria: ACMG Guidelines, 2015. Collection method: clinical testing. Allele origin: germline. Affected: yes.

GeneDx
Classification: Pathogenic. Last evaluated: 2025-01-31. Review status: criteria provided, single submitter. Criteria: GeneDx Variant Classification Process June 2021. Collection method: clinical testing. Allele origin: germline. Affected: yes.
Comment: In silico analysis supports that this missense variant has a deleterious effect on protein structure/function; This variant is associated with the following publications: (PMID: 18821858, 7886000, 23085273, 23504663, 34758253, 28976636, 8477259, 8217557, 9259202, 19208379, 12753405, 1903591, 20861488, 18463683, 27640074, 29345414, 28378818, 31719542, 31589614, 11295837, 1970634, 35894802, 38219857, 38523675)

Blueprint Genetics
Classification: Pathogenic for TYR-related disorders. Last evaluated: 2024-11-21. Review status: criteria provided, single submitter. Criteria: ACMG Guidelines, 2015. Collection method: clinical testing. Allele origin: germline. Affected: yes. Observed: 5 variant alleles.

Baylor Genetics
Classification: Pathogenic for SKIN/HAIR/EYE PIGMENTATION 3, LIGHT/DARK SKIN. Last evaluated: 2024-03-20. Review status: criteria provided, single submitter. Criteria: ACMG Guidelines, 2015. Collection method: clinical testing. Allele origin: unknown.

Fulgent Genetics
Classification: Likely pathogenic for Oculocutaneous albinism type 1A; SKIN/HAIR/EYE PIGMENTATION 3, LIGHT/DARK SKIN; Oculocutaneous albinism type 1B. Last evaluated: 2024-03-11. Review status: criteria provided, single submitter. Criteria: ACMG Guidelines, 2015. Collection method: clinical testing. Allele origin: germline.

Women's Health and Genetics/Laboratory Corporation of America, LabCorp
Classification: Pathogenic for Oculocutaneous albinism. Last evaluated: 2023-04-14. Review status: criteria provided, single submitter. Criteria: LabCorp Variant Classification Summary - May 2015. Collection method: clinical testing. Allele origin: germline.
Comment: Variant summary: TYR c.823G>T (p.Val275Phe) results in a non-conservative amino acid change located in the Tyrosinase copper-binding domain (IPR002227) of the encoded protein sequence. Four of five in-silico tools predict a damaging effect of the variant on protein function. The variant allele was found at a frequency of 9.2e-05 in 250988 control chromosomes. This frequency is not significantly higher than estimated for a pathogenic variant in TYR causing Oculocutaneous Albinism (9.2e-05 vs 0.0056), allowing no conclusion about variant significance. c.823G>T has been reported in the literature in multiple individuals affected with Oculocutaneous Albinism (example: Lasseaux_2017). These data indicate that the variant is very likely to be associated with disease. To our knowledge, no experimental evidence demonstrating an impact on protein function has been reported. 11 clinical diagnostic laboratories have submitted clinical-significance assessments for this variant to ClinVar after 2014 without evidence for independent evaluation, classifying the variant as pathogenic (n=9) or likely pathogenic (n=2). Based on the evidence outlined above, the variant was classified as pathogenic.

Victorian Clinical Genetics Services, Murdoch Childrens Research Institute
Classification: Pathogenic for Oculocutaneous albinism type 1A. Last evaluated: 2022-06-24. Review status: criteria provided, single submitter. Criteria: ACMG Guidelines, 2015. Collection method: clinical testing. Allele origin: germline. Inheritance: Autosomal recessive inheritance. Affected: yes.
Comment: Based on the classification scheme VCGS_Germline_v1.3.4, this variant is classified as pathogenic. The following criteria are met: 0102 - Loss of function is a known mechanism of disease in this gene and is associated with oculocutaneous albinism type IA (MIM#203100) and type IB (MIM#606952). (I) 0106 - This gene is associated with autosomal recessive disease. (I) 0200 - Variant is predicted to result in a missense amino acid change from valine to phenylalanine. (I) 0251 - This variant is heterozygous. (I) 0304 - Variant is present in gnomAD (v2) <0.01 for a recessive condition (28 heterozygotes, 0 homozygotes). (SP) 0309 - Alternative amino acid changes at the same position have been observed in gnomAD (v2 & v3) (2 heterozygotes, 0 homozygotes). (I) 0503 - Missense variant consistently predicted to be tolerated by multiple in silico tools or not conserved in placental mammals with a minor amino acid change. (SB) 0600 - Variant is located in the annotated tyrosinase functional domain (PDB, NCBI). (I) 0801 - This variant has strong previous evidence of pathogenicity in unrelated individuals. This variant has been reported in more than ten patients with albinism or ocular albinism (ClinVar, PMID: 1903591; 18463683; 13680365). (SP) 0903 - This variant has limited evidence for segregation with disease. It has been shown to segregate with disease in at least one family (PMID: 1903591). (SP) 0705 - No comparable missense variants have previous evidence for pathogenicity. (I) Legend: (SP) - Supporting pathogenic, (I) - Information, (SB) - Supporting benign

Genome-Nilou Lab
Classification: Pathogenic for Oculocutaneous albinism type 1A. Last evaluated: 2021-07-22. Review status: criteria provided, single submitter. Criteria: ACMG Guidelines, 2015. Collection method: clinical testing. Allele origin: germline. Affected: no.